The following is an entry in ClinVar:

NM_001374828.1(ARID1B):c.906_911dup (p.Gly306_Pro307insGlyGly)

Genes: ARID1B (AT-rich interaction domain 1B; plus strand), LOC129997525 (ATAC-STARR-seq lymphoblastoid silent region 17712; plus strand). Cytogenetic location: 6q25.3.
Variant type: Duplication.
Coding change: c.906_911dup on transcript NM_001374828.1 (MANE Select); coding-DNA positions 906 to 911, 6 bases duplicated (GGGCGG; older notation c.906_911dupGGGCGG).
Protein change: p.Gly306_Pro307insGlyGly.
Genome position (GRCh38, 1-based): chr6:156,778,586-156,778,591, GGGCGG duplicated; duplicating any 6 consecutive bases within chr6:156,778,583-156,778,591 gives the same sequence; the c. name uses the placement nearest the transcript's 3' end. VCF-style (leftmost placement, unchanged base first): chr6-156778582-C-CCGGGGG. GRCh37 (hg19) VCF-style: chr6-157099716-C-CCGGGGG.
Other names: c.906_911dup, p.Gly306_Pro307insGlyGly (NM_001371656.1, NM_001374820.1, NM_017519.3); c.657_662dupGGGCGG (NM_020732.3).
Identifiers: ClinVar variation 3429126 (VCV003429126.1).

ClinVar aggregate classification (germline): Uncertain significance (1 of 4 stars; one submission).

Conditions:
Inborn genetic diseases. Identifiers: MedGen C0950123, MeSH D030342.

Submission:

Ambry Genetics
Classification: Uncertain significance for Inborn genetic diseases. Last evaluated: 2024-10-09. Review status: criteria provided, single submitter. Criteria: Ambry Variant Classification Scheme 2023. Collection method: clinical testing. Allele origin: germline.
Comment: The c.657_662dupGGGCGG (p.G222_G223dup) alteration is located in exon 1 (coding exon 1) of the ARID1B gene. The alteration consists of an in-frame duplication of 6 nucleotides from position 657 to 662, resulting in the duplication of 2 residues. Based on insufficient or conflicting evidence, the clinical significance of this alteration remains unclear.